The following is an entry in ClinVar:

ClinVar aggregate classification (germline): Likely benign (1 of 4 stars; one submission).

Submission:

GeneDx
Classification: Likely benign. Last evaluated: 2018-01-09. Review status: criteria provided, single submitter. Criteria: GeneDx Variant Classification (06012015). Collection method: clinical testing. Allele origin: germline. Affected: yes.
Comment: This variant is considered likely benign or benign based on one or more of the following criteria: it is a conservative change, it occurs at a poorly conserved position in the protein, it is predicted to be benign by multiple in silico algorithms, and/or has population frequency not consistent with disease.

NM_016729.3(FOLR1):c.168+9G>A

Genes: FOLR1 (folate receptor alpha; plus strand), FOLR1-AS1 (FOLR1 antisense RNA 1; minus strand). Cytogenetic location: 11q13.4.
Variant type: single nucleotide variant.
Coding change: c.168+9G>A on transcript NM_016729.3 (MANE Select); 9 bases into the intron after coding-DNA position 168, G replaced by A.
Molecular consequence: intron variant.
Genome position (GRCh38, 1-based): chr11:72,192,350, G>A. VCF-style: chr11-72192350-G-A. GRCh37 (hg19) VCF-style: chr11-71903394-G-A.
Other names: c.168+9G>A (NM_016724.3, NM_016725.3, NM_000802.3).
Identifiers: ClinVar variation 514627 (VCV000514627.1), dbSNP rs1555068677, ClinGen allele CA658797705.
Genomic context (GRCh38, chr11:72,192,350, plus strand): 5'-CGCCAAGCACCACAAGGAAAAGCCAGGCCCCGAGGACAAGTTGCATGAGCAGGTGGGCCA[G>A]GGGGTGATCTGGGGTGGTGAGGGACTGGCTCAGGAAGAGGAAACGAGGACATGGAAATGC-3'